The following is an entry in ClinVar:

ClinVar aggregate classification (germline): Uncertain significance (1 of 4 stars; one submission).

Conditions:
Progressive sclerosing poliodystrophy (MTDPS4A). Also called: ALPERS PROGRESSIVE INFANTILE POLIODYSTROPHY; NEURONAL DEGENERATION OF CHILDHOOD WITH LIVER DISEASE, PROGRESSIVE; Mitochondrial DNA depletion syndrome 4A (Alpers type); Mitochondrial DNA Depletion Syndrome 4A; Alpers-Huttenlocher Syndrome (AHS); Alpers Syndrome. Identifiers: Orphanet 726, MedGen C0205710, MONDO:0008758, OMIM 203700.

Submission:

3billion
Classification: Uncertain significance for Progressive sclerosing poliodystrophy. Last evaluated: 2023-06-07. Review status: criteria provided, single submitter. Criteria: ACMG Guidelines, 2015. Collection method: clinical testing. Allele origin: germline. Affected: yes.
Comment: The variant is not observed in the gnomAD v2.1.1 dataset. Predicted Consequence/Location: Missense variant In silico tool predictions suggest damaging effect of the variant on gene or gene product (REVEL: 0.97; 3Cnet: 0.98). Different missense changes at the same codon (p.Gly1052Asp, p.Gly1052Ser) have been reported to be associated with POLG related disorder (PMID: 28865037). However the evidence of pathogenicity is insufficient at this time. Therefore, this variant is classified as VUS according to the recommendation of ACMG/AMP guideline.

Literature cited by the submitters: PubMed 28865037.

NM_002693.3(POLG):c.3154G>T (p.Gly1052Cys)

Gene: POLG (DNA polymerase gamma, catalytic subunit; minus strand). Cytogenetic location: 15q26.1.
Variant type: single nucleotide variant.
Coding change: c.3154G>T on transcript NM_002693.3 (MANE Select); coding-DNA position 3154, G replaced by T.
Protein change: p.Gly1052Cys; replaces glycine 1052 with cysteine.
Molecular consequence: missense variant.
Genome position (GRCh38, 1-based): chr15:89,319,050, C>A on the plus strand (G>T on the coding strand, the complement: POLG is on the minus strand). VCF-style: chr15-89319050-C-A. GRCh37 (hg19) VCF-style: chr15-89862281-C-A.
Other names: c.3154G>T, p.Gly1052Cys (NM_001126131.2); short protein forms G1052C.
Identifiers: ClinVar variation 3776108 (VCV003776108.1).